The following is an entry in ClinVar:

ClinVar aggregate classification (germline): Pathogenic (1 of 4 stars; one submission).

Conditions:
Glycogen storage disease IXb (GSD9B). Also called: GLYCOGENOSIS OF LIVER AND MUSCLE, AUTOSOMAL RECESSIVE; GSD IXb; PHOSPHORYLASE KINASE DEFICIENCY OF LIVER AND MUSCLE, AUTOSOMAL RECESSIVE. Identifiers: Orphanet 79240, MedGen C0543514, MONDO:0009868, OMIM 261750.

Submission:

Labcorp Genetics (formerly Invitae), Labcorp
Classification: Pathogenic for Glycogen storage disease IXb. Last evaluated: 2023-08-22. Review status: criteria provided, single submitter. Criteria: Invitae Variant Classification Sherloc (09022015). Collection method: clinical testing. Allele origin: unknown.
Comment: This variant is a gross deletion of the genomic region encompassing exon(s) 2-4 of the PHKB gene. This deletion is out-of-frame, and is expected to create a premature termination codon and result in an absent or disrupted protein product. Loss-of-function variants in PHKB are known to be pathogenic (PMID: 9215682, 9326319). This variant has not been reported in the literature in individuals affected with PHKB-related conditions. For these reasons, this variant has been classified as Pathogenic.

Literature cited by the submitters: PubMed 9215682; PubMed 9326319.

NC_000016.9:g.(?_47531290)_(47537021_?)del

Gene: PHKB (phosphorylase kinase regulatory subunit beta; plus strand). Cytogenetic location: 16q12.1.
Variant type: Deletion.
Identifiers: ClinVar variation 3243387 (VCV003243387.1).